The following is an entry in ClinVar:

NM_021956.5(GRIK2):c.1969G>A (p.Ala657Thr)

Gene: GRIK2 (glutamate ionotropic receptor kainate type subunit 2; plus strand). Cytogenetic location: 6q16.3.
Variant type: single nucleotide variant.
Coding change: c.1969G>A on transcript NM_021956.5 (MANE Select); coding-DNA position 1969, G replaced by A.
Protein change: p.Ala657Thr; replaces alanine 657 with threonine.
Molecular consequence: missense variant.
Genome position (GRCh38, 1-based): chr6:101,928,516, G>A. VCF-style: chr6-101928516-G-A. GRCh37 (hg19) VCF-style: chr6-102376391-G-A.
Other names: c.1969G>A, p.Ala657Thr (NM_001166247.1, NM_175768.3); c.1969G>A (NM_021956.3); short protein forms A657T.
Identifiers: ClinVar variation 985841 (VCV000985841.16), dbSNP rs1790057505, ClinGen allele CA365308479.

ClinVar aggregate classification (germline): Pathogenic. Review status: criteria provided, multiple submitters, no conflicts (2 of 4 stars). 10 submissions from 10 submitters: Pathogenic (5). 5 of the submissions do not count toward it. Last evaluated 2025-12-05.

Conditions:
Intellectual disability. Also called: Intellectual functioning disability; intellectual disabilities; Intellectual developmental disorder. Identifiers: MedGen C3714756, MeSH D008607, MONDO:0001071, HP:0001249.
Severe global developmental delay. Also called: Severe psychomotor retardation. Identifiers: MedGen C1837397, HP:0011344.
Gait ataxia. Identifiers: MedGen C0751837, HP:0002066.
Inborn genetic diseases. Identifiers: MedGen C0950123, MeSH D030342.
Neurodevelopmental disorder with impaired language and ataxia and with or without seizures. Identifiers: MedGen C5562006, MONDO:0859201, OMIM 619580.

Allele frequency attached by ClinVar (database versions not stated): gnomAD exomes below 0.00001.

Submissions (10):

3billion
Classification: Pathogenic for Neurodevelopmental disorder with impaired language and ataxia and with or without seizures. Last evaluated: 2025-12-05. Review status: criteria provided, single submitter. Criteria: ACMG Guidelines, 2015. Collection method: clinical testing. Allele origin: germline. Affected: yes.
Comment: The variant is observed at an extremely low frequency in the gnomAD v4.1.0 dataset (total allele frequency: <0.001%). Predicted Consequence/Location: Missense variant Functional studies provide moderate evidence of the variant having a damaging effect on the gene or gene product (PMID: 28180184). In silico tool predictions suggest damaging effect of the variant on gene or gene product [REVEL: 0.73 (>=0.6, sensitivity 0.68 and specificity 0.92); 3Cnet: 0.97 (> 0.75, sensitivity 0.96 and precision 0.92)]. The same nucleotide change resulting in the same amino acid change has been previously reported as pathogenic/likely pathogenic with strong evidence (ClinVar ID: VCV000985841 /PMID: 28180184 /3billion dataset). The variant has been previously reported as de novo in a similarly affected individual (PMID: 28180184). Therefore, this variant is classified as Pathogenic according to the recommendation of ACMG/AMP guideline.

Centre for Clinical Genetics and Genomic Diagnostics, Zealand University Hospital
Classification: Pathogenic. Last evaluated: 2023-10-12. Review status: criteria provided, single submitter. Criteria: ACMG Guidelines, 2015. Collection method: clinical testing. Allele origin: de novo. Affected: yes.

Ambry Genetics
Classification: Pathogenic for Inborn genetic diseases. Last evaluated: 2022-05-06. Review status: criteria provided, single submitter. Criteria: Ambry Variant Classification Scheme 2023. Collection method: clinical testing. Allele origin: germline.
Comment: The c.1969G>A (p.A657T) alteration is located in coding exon 13 of the GRIK2 gene. This alteration results from a G to A substitution at nucleotide position 1969, causing the alanine (A) at amino acid position 657 to be replaced by a threonine (T). This variant was not reported in population-based cohorts in the Genome Aggregation Database (gnomAD). This alteration was reported de novo in multiple individuals with neurodevelopmental disorders. Clinical features included intellectual disability, delays in motor and speech development, motor dysfunction, and behavioral abnormalities (Guzm&aacute;n, 2017; Stolz, 2021). This amino acid position is highly conserved in available vertebrate species. The p.A657T alteration occurs in the pore-forming third membrane (M3) domain, which has been characterized as a &ldquo;hotspot&rdquo; of NDD-causing mutations in other iGluR subunit genes. Functional studies of mutant GluK2 receptor channels harboring the A657T alteration demonstrated altered channel gating which rendered them constitutively active in nominally glutamate-free extracellular media, suggesting a gain-of-function effect. The A657T alteration in other ionotropic glutamate receptors (iGluRs) greatly affects channel kinetics and function (Guzm&aacute;n, 2017). Rodents expressing delta receptors bearing the equivalent of the A657T alteration, also known as lurcher mutant mice, show ataxia and cerebellar neurodegeneration, symptoms which are phenocopied in a human patient with the equivalent mutation in the GRID2 gene (Guzm&aacute;n, 2017). The in silico prediction for this alteration is inconclusive. Based on the available evidence, this alteration is classified as pathogenic.

GeneDx
Classification: Pathogenic. Last evaluated: 2022-03-21. Review status: criteria provided, single submitter. Criteria: GeneDx Variant Classification Process June 2021. Collection method: clinical testing. Allele origin: germline. Affected: yes.
Comment: Not observed at significant frequency in large population cohorts (gnomAD); Published functional studies using suggest that this variant alters the channel gating kinetics and results in a gain of channel function (Guzman et al., 2017; Stolz et al., 2021); In silico analysis supports that this missense variant has a deleterious effect on protein structure/function; This variant is associated with the following publications: (PMID: 34375587, 28180184)

Clinical Biomedical Laboratory, Shriners Hospital For Children - Canada
Classification: Pathogenic for Neurodevelopmental disorder with impaired language and ataxia and with or without seizures. Review status: criteria provided, single submitter. Criteria: ACMG Guidelines, 2015. Collection method: clinical testing. Allele origin: germline. Affected: yes.
Comment: This variant is predicted to substitute an alanine residue by a threonine residue. This variant is absent from the Genome Aggregation Database, v2.1.1.. This specific variant has been reported in the literature (PMID: 34375587) as an established cause of a neurodevelopmental disorder with impaired language and ataxia. Based on the ACMG variant interpretation guidelines, the available evidence supports classification of this variant as pathogenic.

Department of Rehabilitation, Anhui Provincial Children's Hospital
Classification: Pathogenic for Neurodevelopmental disorder with impaired language and ataxia and with or without seizures. Last evaluated: 2023-01-30. Review status: no assertion criteria provided. Collection method: clinical testing. Allele origin: paternal. Affected: yes. Not counted in ClinVar's aggregate classification.
Comment: Functional studies indicate that this variant may impair protein function . Additionally, it has been found at a higher frequency in affected individuals compared to control populations.

OMIM
Classification: Pathogenic for NEURODEVELOPMENTAL DISORDER WITH IMPAIRED LANGUAGE AND ATAXIA AND WITHOUT SEIZURES. Last evaluated: 2021-10-28. Review status: no assertion criteria provided. Collection method: literature only. Allele origin: germline. Not counted in ClinVar's aggregate classification.

Swanson Laboratory, Northwestern University Feinberg School of Medicine
Classification: Pathogenic for Intellectual disability; Gait ataxia; Severe global developmental delay. Last evaluated: 2021-07-13. Review status: no assertion criteria provided. Collection method: clinical testing. Allele origin: de novo. Affected: yes. Not counted in ClinVar's aggregate classification.

Joint Genome Diagnostic Labs from Nijmegen and Maastricht, Radboudumc and MUMC+
Classification: Uncertain significance. Review status: no assertion criteria provided. Collection method: clinical testing. Allele origin: germline. Affected: yes. Study: VKGL Data-share Consensus. Not counted in ClinVar's aggregate classification.

Laboratory of Diagnostic Genome Analysis, Leiden University Medical Center (LUMC)
Classification: Uncertain significance. Review status: no assertion criteria provided. Collection method: clinical testing. Allele origin: germline. Affected: yes. Study: VKGL Data-share Consensus. Not counted in ClinVar's aggregate classification.

Literature cited by the submitters: PubMed 28180184 (cited by 3 submitters); PubMed 34375587 (cited by 3 submitters).